The following is an entry in ClinVar:

NM_000051.4(ATM):c.4891A>G (p.Ile1631Val)

Gene: ATM (ATM serine/threonine kinase; plus strand). Cytogenetic location: 11q22.3.
Variant type: single nucleotide variant.
Coding change: c.4891A>G on transcript NM_000051.4 (MANE Select); coding-DNA position 4891, A replaced by G.
Protein change: p.Ile1631Val; replaces isoleucine 1631 with valine.
Molecular consequence: missense variant.
Genome position (GRCh38, 1-based): chr11:108,295,041, A>G. VCF-style: chr11-108295041-A-G. GRCh37 (hg19) VCF-style: chr11-108165768-A-G.
Other names: c.4891A>G, p.Ile1631Val (NM_001351834.2); short protein forms I1631V.
Identifiers: ClinVar variation 1743862 (VCV001743862.5), dbSNP rs2135837721, ClinGen allele CA382537219.

ClinVar aggregate classification (germline): Uncertain significance. Review status: criteria provided, multiple submitters, no conflicts (2 of 4 stars). 3 submissions from 3 submitters: Uncertain significance (3). Last evaluated 2025-07-14.

Conditions:
Hereditary cancer-predisposing syndrome. Also called: Neoplastic Syndromes, Hereditary; Tumor predisposition; Hereditary Cancer Syndrome; Hereditary neoplastic syndrome. Identifiers: Orphanet 140162, MedGen C0027672, MeSH D009386, MONDO:0015356.
Ataxia-telangiectasia syndrome (AT). Also called: LOUIS-BAR SYNDROME; Cerebello-oculocutaneous telangiectasia; Immunodeficiency with ataxia telangiectasia; Ataxia-telangiectasia, complementation group D; AT, COMPLEMENTATION GROUP C; ATAXIA-TELANGIECTASIA, COMPLEMENTATION GROUP A. Identifiers: Orphanet 100, MedGen C0004135, MONDO:0008840, OMIM 208900.

gnomAD v4.1: 1 of 1,613,960 alleles (0.000062%); highest among the groups gnomAD compares: Non-Finnish European, 0.000085%; no homozygotes.

Submissions (3):

Color Diagnostics, LLC DBA Color Health
Classification: Uncertain significance for Hereditary cancer-predisposing syndrome. Last evaluated: 2025-07-14. Review status: criteria provided, single submitter. Criteria: ACMG Guidelines, 2015. Collection method: clinical testing. Allele origin: germline.
Comment: This missense variant replaces isoleucine with valine at codon 1631 of the ATM protein. Computational prediction suggests that this variant may not impact protein structure and function. To our knowledge, functional studies have not been reported for this variant. This variant has not been reported in individuals affected with ATM-related disorders in the literature. This variant has not been identified in the general population by the Genome Aggregation Database (gnomAD). The available evidence is insufficient to determine the role of this variant in disease conclusively. Therefore, this variant is classified as a Variant of Uncertain Significance.

Labcorp Genetics (formerly Invitae), Labcorp
Classification: Uncertain significance for Ataxia-telangiectasia syndrome. Last evaluated: 2024-05-08. Review status: criteria provided, single submitter. Criteria: Invitae Variant Classification Sherloc (09022015). Collection method: clinical testing. Allele origin: germline.
Comment: This sequence change replaces isoleucine, which is neutral and non-polar, with valine, which is neutral and non-polar, at codon 1631 of the ATM protein (p.Ile1631Val). This variant is not present in population databases (gnomAD no frequency). This variant has not been reported in the literature in individuals affected with ATM-related conditions. ClinVar contains an entry for this variant (Variation ID: 1743862). An algorithm developed to predict the effect of missense changes on protein structure and function (PolyPhen-2) suggests that this variant is likely to be tolerated. In summary, the available evidence is currently insufficient to determine the role of this variant in disease. Therefore, it has been classified as a Variant of Uncertain Significance.

Ambry Genetics
Classification: Uncertain significance for Hereditary cancer-predisposing syndrome. Last evaluated: 2022-10-28. Review status: criteria provided, single submitter. Criteria: Ambry Variant Classification Scheme 2023. Collection method: clinical testing. Allele origin: germline.
Comment: The p.I1631V variant (also known as c.4891A>G), located in coding exon 31 of the ATM gene, results from an A to G substitution at nucleotide position 4891. The isoleucine at codon 1631 is replaced by valine, an amino acid with highly similar properties. This amino acid position is conserved. In addition, this alteration is predicted to be tolerated by in silico analysis. Since supporting evidence is limited at this time, the clinical significance of this alteration remains unclear.